The following is an entry in ClinVar:

NM_001370259.2(MEN1):c.1433G>C (p.Gly478Ala)

Gene: MEN1 (menin 1; minus strand). Cytogenetic location: 11q13.1.
Variant type: single nucleotide variant.
Coding change: c.1433G>C on transcript NM_001370259.2 (MANE Select); coding-DNA position 1433, G replaced by C.
Protein change: p.Gly478Ala; replaces glycine 478 with alanine.
Molecular consequence: missense variant. On other transcripts: non-coding transcript variant (4).
Genome position (GRCh38, 1-based): chr11:64,804,734, C>G on the plus strand (G>C on the coding strand, the complement: MEN1 is on the minus strand). VCF-style: chr11-64804734-C-G. GRCh37 (hg19) VCF-style: chr11-64572206-C-G.
Other names: c.1448G>C, p.Gly483Ala (NM_001407145.1, NM_130800.3, NM_130801.3 and 4 more transcripts); c.1433G>C, p.Gly478Ala (NM_001407146.1, NM_001407147.1, NM_130799.3 and 2 more transcripts); c.1328G>C, p.Gly443Ala (NM_001407149.1, NM_001407148.1, NM_001370262.2 and 1 more transcripts); c.1574G>C, p.Gly525Ala (NM_001407150.1); c.1454G>C, p.Gly485Ala (NM_001407151.1); c.1268G>C, p.Gly423Ala (NM_001407152.1); c.1559G>C, p.Gly520Ala (NM_001370251.2, NM_001407142.1, NM_001407143.1 and 1 more transcripts); short protein forms G423A, G443A, G478A, G483A, G485A, G520A, G525A.
Identifiers: ClinVar variation 3229062 (VCV003229062.3), dbSNP rs2497125257, ClinGen allele CA381179341.

ClinVar aggregate classification (germline): Uncertain significance. Review status: criteria provided, multiple submitters, no conflicts (2 of 4 stars). 2 submissions from 2 submitters: Uncertain significance (2). Last evaluated 2025-12-03.

Conditions:
Hereditary cancer-predisposing syndrome. Also called: Hereditary Cancer Syndrome; Tumor predisposition; Neoplastic Syndromes, Hereditary; Hereditary neoplastic syndrome. Identifiers: Orphanet 140162, MedGen C0027672, MeSH D009386, MONDO:0015356.
Multiple endocrine neoplasia, type 1 (MEN1). Also called: WERMER SYNDROME; Endocrine adenomatosis multiple; MEN 1; MEN I; MEA I. Identifiers: Orphanet 652, MedGen C0025267, MeSH D018761, MONDO:0007540, OMIM 131100.

Submissions (2):

Labcorp Genetics (formerly Invitae), Labcorp
Classification: Uncertain significance for Multiple endocrine neoplasia, type 1. Last evaluated: 2025-12-03. Review status: criteria provided, single submitter. Criteria: Invitae Variant Classification Sherloc (09022015). Collection method: clinical testing. Allele origin: germline.
Comment: This sequence change replaces glycine, which is neutral and non-polar, with alanine, which is neutral and non-polar, at codon 478 of the MEN1 protein (p.Gly478Ala). This variant is not present in population databases (gnomAD no frequency). This variant has not been reported in the literature in individuals affected with MEN1-related conditions. ClinVar contains an entry for this variant (Variation ID: 3229062). Invitae Evidence Modeling of protein sequence and biophysical properties (such as structural, functional, and spatial information, amino acid conservation, physicochemical variation, residue mobility, and thermodynamic stability) has been performed for this missense variant. However, the output from this modeling did not meet the statistical confidence thresholds required to predict the impact of this variant on MEN1 protein function. In summary, the available evidence is currently insufficient to determine the role of this variant in disease. Therefore, it has been classified as a Variant of Uncertain Significance.

Ambry Genetics
Classification: Uncertain significance for Hereditary cancer-predisposing syndrome. Last evaluated: 2024-02-22. Review status: criteria provided, single submitter. Criteria: Ambry Variant Classification Scheme 2023. Collection method: clinical testing. Allele origin: germline.
Comment: The p.G478A variant (also known as c.1433G>C), located in coding exon 9 of the MEN1 gene, results from a G to C substitution at nucleotide position 1433. The glycine at codon 478 is replaced by alanine, an amino acid with similar properties. This amino acid position is conserved. In addition, the in silico prediction for this alteration is inconclusive. Based on the available evidence, the clinical significance of this alteration remains unclear.